The following is an entry in ClinVar:

ClinVar aggregate classification (germline): Uncertain significance (1 of 4 stars; one submission).

Submission:

Labcorp Genetics (formerly Invitae), Labcorp
Classification: Uncertain significance. Last evaluated: 2021-02-01. Review status: criteria provided, single submitter. Criteria: Invitae Variant Classification Sherloc (09022015). Collection method: clinical testing. Allele origin: germline.
Comment: This sequence change falls in intron 4 of the SLC39A7 gene. It does not directly change the encoded amino acid sequence of the SLC39A7 protein. It affects a nucleotide within the consensus splice site of the intron. This variant is not present in population databases (ExAC no frequency). This variant has not been reported in the literature in individuals with SLC39A7-related conditions. Nucleotide substitutions within the consensus splice site are a relatively common cause of aberrant splicing (PMID: 17576681, 9536098). Algorithms developed to predict the effect of sequence changes on RNA splicing suggest that this variant is not likely to affect RNA splicing, but this prediction has not been confirmed by published transcriptional studies. In summary, the available evidence is currently insufficient to determine the role of this variant in disease. Therefore, it has been classified as a Variant of Uncertain Significance.

Literature cited by the submitters: PubMed 17576681; PubMed 9536098.

NM_006979.3(SLC39A7):c.635-3C>T

Gene: SLC39A7 (solute carrier family 39 member 7; plus strand). Cytogenetic location: 6p21.32.
Variant type: single nucleotide variant.
Coding change: c.635-3C>T on transcript NM_006979.3 (MANE Select); 3 bases into the intron before coding-DNA position 635, C replaced by T.
Molecular consequence: intron variant.
Genome position (GRCh38, 1-based): chr6:33,202,260, C>T. VCF-style: chr6-33202260-C-T. GRCh37 (hg19) VCF-style: chr6-33170037-C-T.
Other names: c.635-3C>T (NM_001077516.2); c.260-3C>T (NM_001288777.2).
Identifiers: ClinVar variation 1371666 (VCV001371666.3), dbSNP rs966007186, ClinGen allele CA137060315.
Genomic context (GRCh38, chr6:33,202,260, plus strand): 5'-CACTTGAGGAGGAGGAGTCTGGAATGCACATCTCCCTTAATGTCTCAATGCCTCCATTCC[C>T]AGGCCAGGGCCCCATTCTGTCTGTGGGACTGTGGGTTCTCAGTGGAATTGTTGCCTTTCT-3'